The following is an entry in ClinVar:

ClinVar aggregate classification (germline): Benign. Review status: criteria provided, multiple submitters, no conflicts (2 of 4 stars). 3 submissions from 3 submitters: Benign (2). 1 of the submissions does not count toward it. Last evaluated 2021-05-05.

Conditions:
LAMC1-related disorder. Also called: LAMC1-related condition.

Allele frequency attached by ClinVar (database versions not stated): 1000 Genomes Project 30x 0.00687; 1000 Genomes Project 0.00719; TOPMed 0.01054; ESP Exome Variant Server 0.01422; ExAC 0.01476; gnomAD 0.01521 and 0.01556; gnomAD exomes 0.01533 and 0.01762.
gnomAD v4.1: 27,897 of 1,613,380 alleles (1.7%); highest among the groups gnomAD compares: Non-Finnish European, 1.9%; 331 homozygotes.

Submissions (3):

GeneDx
Classification: Benign. Last evaluated: 2021-05-05. Review status: criteria provided, single submitter. Criteria: GeneDx Variant Classification Process June 2021. Collection method: clinical testing. Allele origin: germline. Affected: yes.

Breakthrough Genomics
Classification: Benign. Review status: criteria provided, single submitter. Criteria: ACMG Guidelines, 2015. Collection method: not provided. Allele origin: germline. Inheritance: Unknown mechanism. Affected: yes.

PreventionGenetics, part of Exact Sciences
Classification: Benign for LAMC1-related condition. Last evaluated: 2020-02-19. Review status: no assertion criteria provided. Collection method: clinical testing. Allele origin: germline. Not counted in ClinVar's aggregate classification.
Comment: This variant is classified as benign based on ACMG/AMP sequence variant interpretation guidelines (Richards et al. 2015 PMID: 25741868, with internal and published modifications).

NM_002293.4(LAMC1):c.1242C>A (p.Gly414=)

Gene: LAMC1 (laminin subunit gamma 1; plus strand). Cytogenetic location: 1q25.3.
Variant type: single nucleotide variant.
Coding change: c.1242C>A on transcript NM_002293.4 (MANE Select); coding-DNA position 1242, C replaced by A.
Protein change: p.Gly414=; no amino-acid change (glycine 414 retained).
Molecular consequence: synonymous variant.
Genome position (GRCh38, 1-based): chr1:183,115,551, C>A. VCF-style: chr1-183115551-C-A. GRCh37 (hg19) VCF-style: chr1-183084686-C-A.
Identifiers: ClinVar variation 1279625 (VCV001279625.4), dbSNP rs20562, ClinGen allele CA1281051.